The following is an entry in ClinVar:

NM_000455.5(STK11):c.1088C>T (p.Thr363Ile)

Genes: STK11 (serine/threonine kinase 11; plus strand), LOC130062899 (ATAC-STARR-seq lymphoblastoid active region 13597; plus strand). Cytogenetic location: 19p13.3.
Variant type: single nucleotide variant.
Coding change: c.1088C>T on transcript NM_000455.5 (MANE Select); coding-DNA position 1088, C replaced by T.
Protein change: p.Thr363Ile; replaces threonine 363 with isoleucine.
Molecular consequence: missense variant.
Genome position (GRCh38, 1-based): chr19:1,223,152, C>T. VCF-style: chr19-1223152-C-T. GRCh37 (hg19) VCF-style: chr19-1223151-C-T.
Other names: short protein forms T363I.
Identifiers: ClinVar variation 135277 (VCV000135277.35), dbSNP rs587778695, ClinGen allele CA022281.

ClinVar aggregate classification (germline): Conflicting classifications of pathogenicity. Review status: criteria provided, conflicting classifications (1 of 4 stars). 13 submissions from 13 submitters: Uncertain significance (2); Benign (2); Likely benign (7). 2 of the submissions do not count toward it. Last evaluated 2025-12-28.

Conditions:
STK11-related disorder. Also called: STK11-related condition.
Hereditary cancer-predisposing syndrome. Also called: Neoplastic Syndromes, Hereditary; Tumor predisposition; Hereditary Cancer Syndrome; Hereditary neoplastic syndrome. Identifiers: Orphanet 140162, MedGen C0027672, MeSH D009386, MONDO:0015356.
Peutz-Jeghers syndrome (PJS). Also called: POLYPOSIS, HAMARTOMATOUS INTESTINAL; POLYPS-AND-SPOTS SYNDROME; Peutz-Jeghers polyposis; Periorificial lentiginosis syndrome. Identifiers: Orphanet 2869, MedGen C0031269, MeSH D010580, MONDO:0008280, OMIM 175200.

Allele frequency attached by ClinVar (database versions not stated): gnomAD 0.00003 and 0.00004; TOPMed 0.00003.
gnomAD v4.1: 20 of 1,611,550 alleles (0.0012%); highest among the groups gnomAD compares: East Asian, 0.025%; no homozygotes.

Submissions (13):

Labcorp Genetics (formerly Invitae), Labcorp
Classification: Likely benign for Peutz-Jeghers syndrome. Last evaluated: 2025-12-28. Review status: criteria provided, single submitter. Criteria: Invitae Variant Classification Sherloc (09022015). Collection method: clinical testing. Allele origin: germline.

PreventionGenetics, part of Exact Sciences
Classification: Likely benign for STK11-related condition. Last evaluated: 2025-11-02. Review status: criteria provided, single submitter. Criteria: ACMG Guidelines, 2015. Collection method: clinical testing. Allele origin: germline.
Comment: This variant is classified as likely benign based on ACMG/AMP sequence variant interpretation guidelines (Richards et al. 2015 PMID: 25741868, with internal and published modifications).

Quest Diagnostics Nichols Institute San Juan Capistrano
Classification: Benign. Last evaluated: 2025-10-21. Review status: criteria provided, single submitter. Criteria: Quest Diagnostics criteria. Collection method: clinical testing. Allele origin: unknown.

ARUP Laboratories, Molecular Genetics and Genomics, ARUP Laboratories
Classification: Uncertain significance. Last evaluated: 2025-02-27. Review status: criteria provided, single submitter. Criteria: ARUP Molecular Germline Variant Investigation Process 2024. Collection method: clinical testing. Allele origin: germline.
Comment: The STK11 c.1088C>T; p.Thr363Ile variant (rs587778695, ClinVar Variation ID 135277) is reported in the literature in few individuals affected with breast cancer (Dorling 2021, Tung 2015, Xie 2018) and in healthy controls (Bodian 2014, Dorling 2021, Momozawa 2018, Okawa 2023). This variant also co-segregated with Peutz-Jegers syndrome (Liu 2012), however, the variantâ€™s role in disease-causation is unclear. This variant is found in the East Asian population with an allele frequency of 0.123% (24/19450 alleles) in the Genome Aggregation Database (v2.1.1). Another amino acid substitution at this codon (p.Thr363Ala) has been reported in healthy controls (Momozawa 2018) and in one individual with breast cancer (Guindalini 2022) though the variantâ€™s clinical significance was uncertain. Computational analyses are uncertain whether the p.Thr363Ile variant is neutral or deleterious (REVEL: 0.336). Due to limited and conflicting information, the clinical significance of p.Thr363Ile is uncertain at this time. References: Bodian DL et al. Germline variation in cancer-susceptibility genes in a healthy, ancestrally diverse cohort: implications for individual genome sequencing. PLoS One. 2014 Apr 11;9(4):e94554. PMID: 24728327. Guindalini RSC et al. Detection of germline variants in Brazilian breast cancer patients using multigene panel testing. Sci Rep. 2022 Mar 9;12(1):4190. PMID: 35264596. Liu D et al. Two variants in STK11 gene in Chinese patients with Peutz-Jeghers syndrome. J Genet. 2012 Aug;91(2):205-8. PMID: 22942091. Momozawa Y et al. Germline pathogenic variants of 11 breast cancer genes in 7,051 Japanese patients and 11,241 controls. Nat Commun. 2018 Oct 4;9(1):4083. PMID: 30287823. Okawa Y et al. Hereditary cancer variants and homologous recombination deficiency in biliary tract cancer. J Hepatol. 2023 Feb;78(2):333-342. PMID: 36243179. Tung N et al. Frequency of mutations in individuals with breast cancer referred for BRCA1 and BRCA2 testing using next-generation sequencing with a 25-gene panel. Cancer. 2015 Jan 1;121(1):25-33PMID: 25186627. Xie Y et al. Mutation screening of 10 cancer susceptibility genes in unselected breast cancer patients. Clin Genet. 2018 Jan;93(1):41-51. PMID: 28580595.

Myriad Genetics, Inc.
Classification: Likely benign for Peutz-Jeghers syndrome. Last evaluated: 2025-02-10. Review status: criteria provided, single submitter. Criteria: Myriad Autosomal Dominant, Autosomal Recessive and X-Linked Classification Criteria (2023). Collection method: clinical testing. Allele origin: unknown.
Comment: This variant is considered likely benign. This variant has been observed at a population frequency that is significantly greater than expected given the associated disease prevalence and penetrance.

All of Us Research Program, National Institutes of Health
Classification: Likely benign for Peutz-Jeghers syndrome. Last evaluated: 2024-02-05. Review status: criteria provided, single submitter. Criteria: ACMG Guidelines, 2015. Collection method: clinical testing. Allele origin: germline. Inheritance: Autosomal dominant inheritance. Observed: 3 variant alleles, 3 heterozygotes.
Comment: This missense variant replaces threonine with isoleucine at codon 363 of the STK11 protein. Computational prediction suggests that this variant may not impact protein structure and function (internally defined REVEL score threshold <= 0.5, PMID: 27666373). Splice site prediction tools suggest that this variant may not impact RNA splicing. To our knowledge, functional studies have not been performed for this variant. This variant has been reported in individuals affected with Peutz-Jeghers syndrome (PMID: 22942091) and breast cancer (PMID: 25186627). This variant has been identified in 25/275702 chromosomes in the general population by the Genome Aggregation Database (gnomAD). The available evidence is insufficient to determine the role of this variant in disease conclusively. Therefore, this variant is classified as a Variant of Uncertain Significance.

This study involves interpretation of variants in research participants for the purpose of population health screening. Participant phenotype was not available at the time of variant classification. Additional details can be found in publication PMID: 35346344, PMCID: PMC8962531

Color Diagnostics, LLC DBA Color Health
Classification: Likely benign for Hereditary cancer-predisposing syndrome. Last evaluated: 2023-10-19. Review status: criteria provided, single submitter. Criteria: ACMG Guidelines, 2015. Collection method: clinical testing. Allele origin: germline.

Department of Pathology and Laboratory Medicine, Sinai Health System
Classification: Likely benign for Peutz-Jeghers syndrome. Last evaluated: 2023-09-06. Review status: criteria provided, single submitter. Criteria: ACMG Guidelines, 2015. Collection method: clinical testing. Allele origin: germline. Affected: yes.

Ambry Genetics
Classification: Benign for Hereditary cancer-predisposing syndrome. Last evaluated: 2023-04-19. Review status: criteria provided, single submitter. Criteria: Ambry Variant Classification Scheme 2023. Collection method: clinical testing. Allele origin: germline.

Sema4
Classification: Likely benign for Hereditary cancer-predisposing syndrome. Last evaluated: 2020-12-30. Review status: criteria provided, single submitter. Criteria: Sema4 Curation Guidelines. Collection method: curation. Allele origin: germline.

GeneDx
Classification: Uncertain significance. Last evaluated: 2019-12-09. Review status: criteria provided, single submitter. Criteria: GeneDx Variant Classification Process June 2021. Collection method: clinical testing. Allele origin: germline. Affected: yes.
Comment: In silico analysis, which includes protein predictors and evolutionary conservation, supports that this variant does not alter protein structure/function; Observed in individuals with Peutz-Jehgers syndrome and individuals with breast cancer as well as in healthy controls (Wei 2011, Liu 2012, Bodian 2014, Tung 2015, Xie 2018); This variant is associated with the following publications: (PMID: 25186627, 24728327, 22216297, 24652667, 22942091, 28580595)

Counsyl
Classification: Uncertain significance for Peutz-Jeghers syndrome. Last evaluated: 2016-09-16. Review status: no assertion criteria provided. Collection method: clinical testing. Allele origin: unknown. Not counted in ClinVar's aggregate classification.

ITMI
No classification provided. Condition: AllHighlyPenetrant. Last evaluated: 2013-09-19. Review status: no classification provided. Collection method: reference population. Allele origin: germline. Not counted in ClinVar's aggregate classification.
Comment: Please see associated publication for description of ethnicities

Literature cited by the submitters: PubMed 36243179 (cited by Quest Diagnostics Nichols Institute San Juan Capistrano); PubMed 28580595 (cited by Quest Diagnostics Nichols Institute San Juan Capistrano and Ambry Genetics); PubMed 22942091 (cited by 4 submitters); PubMed 38981878 (cited by Quest Diagnostics Nichols Institute San Juan Capistrano); PubMed 36072793 (cited by Quest Diagnostics Nichols Institute San Juan Capistrano); PubMed 30850667 (cited by Quest Diagnostics Nichols Institute San Juan Capistrano); PubMed 25186627 (cited by 3 submitters); PubMed 24728327 (cited by Department of Pathology and Laboratory Medicine, Sinai Health System and ITMI).